The following is an entry in ClinVar:

NM_013447.4(ADGRE2):c.2192C>T (p.Ala731Val)

Gene: ADGRE2 (adhesion G protein-coupled receptor E2; minus strand). Cytogenetic location: 19p13.12.
Variant type: single nucleotide variant.
Coding change: c.2192C>T on transcript NM_013447.4 (MANE Select); coding-DNA position 2192, C replaced by T.
Protein change: p.Ala731Val; replaces alanine 731 with valine.
Molecular consequence: missense variant.
Genome position (GRCh38, 1-based): chr19:14,743,776, G>A on the plus strand (C>T on the coding strand, the complement: ADGRE2 is on the minus strand). VCF-style: chr19-14743776-G-A. GRCh37 (hg19) VCF-style: chr19-14854588-G-A.
Other names: c.2018C>T, p.Ala673Val (NM_001271052.1); c.2045C>T, p.Ala682Val (NM_152916.2); c.1913C>T, p.Ala638Val (NM_152917.2); short protein forms A682V, A638V, A673V, A731V.
Identifiers: ClinVar variation 2053912 (VCV002053912.4), dbSNP rs370433460, ClinGen allele CA9257441.
Genomic context (GRCh38, chr19:14,743,776, plus strand): 5'-TGCAAGATGCCCAGACACCACGTGCAGCCCAGGATGAACAGCTGAGCTGTCGCTTTAAAT[G>A]CCAGCATCCTGGATTGAGTAAGAAAGGAGGCTGGTGATGCACCCAGAGAAAGAGAATCAA-3'
Protein context (NP_038475.2, residues 721-741): VSTLRNTRML[Ala731Val]FKATAQLFIL

ClinVar aggregate classification (germline): Uncertain significance (1 of 4 stars; one submission).

Allele frequency attached by ClinVar (database versions not stated): gnomAD exomes 0.00002; ExAC 0.00003; ESP Exome Variant Server 0.00008; gnomAD 0.00023; TOPMed 0.00025; 1000 Genomes Project 0.00060; 1000 Genomes Project 30x 0.00078.
gnomAD v4.1: 65 of 1,614,050 alleles (0.004%); highest among the groups gnomAD compares: African/African-American, 0.072%; no homozygotes.

Submission:

Labcorp Genetics (formerly Invitae), Labcorp
Classification: Uncertain significance. Last evaluated: 2025-11-27. Review status: criteria provided, single submitter. Criteria: Invitae Variant Classification Sherloc (09022015). Collection method: clinical testing. Allele origin: germline.
Comment: This sequence change replaces alanine, which is neutral and non-polar, with valine, which is neutral and non-polar, at codon 731 of the ADGRE2 protein (p.Ala731Val). This variant is present in population databases (rs370433460, gnomAD 0.08%), and has an allele count higher than expected for a pathogenic variant. This variant has not been reported in the literature in individuals affected with ADGRE2-related conditions. ClinVar contains an entry for this variant (Variation ID: 2053912). An algorithm developed to predict the effect of missense changes on protein structure and function (PolyPhen-2) suggests that this variant is likely to be tolerated. In summary, the available evidence is currently insufficient to determine the role of this variant in disease. Therefore, it has been classified as a Variant of Uncertain Significance.